The following is an entry in ClinVar:

ClinVar aggregate classification (germline): Uncertain significance (1 of 4 stars; one submission).

Allele frequency attached by ClinVar (database versions not stated): gnomAD exomes below 0.00001; ExAC 0.00001.

Submissions (2):

Labcorp Genetics (formerly Invitae), Labcorp
Classification: Uncertain significance. Last evaluated: 2024-04-15. Review status: criteria provided, single submitter. Criteria: Invitae Variant Classification Sherloc (09022015). Collection method: clinical testing. Allele origin: germline.
Comment: This sequence change replaces isoleucine, which is neutral and non-polar, with valine, which is neutral and non-polar, at codon 1101 of the KMT2E protein (p.Ile1101Val). This variant is present in population databases (rs757830237, gnomAD 0.0009%). This variant has not been reported in the literature in individuals affected with KMT2E-related conditions. Advanced modeling of protein sequence and biophysical properties (such as structural, functional, and spatial information, amino acid conservation, physicochemical variation, residue mobility, and thermodynamic stability) performed at Invitae indicates that this missense variant is not expected to disrupt KMT2E protein function with a negative predictive value of 80%. Algorithms developed to predict the effect of sequence changes on RNA splicing suggest that this variant may create or strengthen a splice site. In summary, the available evidence is currently insufficient to determine the role of this variant in disease. Therefore, it has been classified as a Variant of Uncertain Significance.

Dr. Peter K. Rogan Lab, Western University
No classification provided (evidence only). Condition: Nonpapillary renal cell carcinoma. Review status: no classification provided. Collection method: in vitro. Allele origin: not applicable. Functional consequence: retained intron. Not counted in ClinVar's aggregate classification.

NM_182931.3(KMT2E):c.3301A>G (p.Ile1101Val)

Gene: KMT2E (lysine methyltransferase 2E (inactive); plus strand). Cytogenetic location: 7q22.3.
Variant type: single nucleotide variant.
Coding change: c.3301A>G on transcript NM_182931.3 (MANE Select); coding-DNA position 3301, A replaced by G.
Protein change: p.Ile1101Val; replaces isoleucine 1101 with valine.
Molecular consequence: missense variant.
Genome position (GRCh38, 1-based): chr7:105,107,758, A>G. VCF-style: chr7-105107758-A-G. GRCh37 (hg19) VCF-style: chr7-104748205-A-G.
Other names: c.3301A>G, p.Ile1101Val (NM_001410908.1, NM_018682.4); short protein forms I1101V.
Identifiers: ClinVar variation 2866991 (VCV002866991.4), dbSNP rs757830237, ClinGen allele CA4424442.